The following is an entry in ClinVar:

ClinVar aggregate classification (germline): Uncertain significance (1 of 4 stars; one submission).

Allele frequency attached by ClinVar (database versions not stated): gnomAD exomes below 0.00001; ExAC 0.00001.
gnomAD v4.1: 5 of 1,613,918 alleles (0.00031%); highest among the groups gnomAD compares: Non-Finnish European, 0.00034%; no homozygotes.

Submission:

Labcorp Genetics (formerly Invitae), Labcorp
Classification: Uncertain significance. Last evaluated: 2023-10-29. Review status: criteria provided, single submitter. Criteria: Invitae Variant Classification Sherloc (09022015). Collection method: clinical testing. Allele origin: germline.
Comment: This sequence change replaces valine, which is neutral and non-polar, with isoleucine, which is neutral and non-polar, at codon 480 of the RCBTB1 protein (p.Val480Ile). This variant is present in population databases (rs778646507, gnomAD 0.0009%). This variant has not been reported in the literature in individuals affected with RCBTB1-related conditions. Advanced modeling of protein sequence and biophysical properties (such as structural, functional, and spatial information, amino acid conservation, physicochemical variation, residue mobility, and thermodynamic stability) performed at Invitae indicates that this missense variant is not expected to disrupt RCBTB1 protein function with a negative predictive value of 80%. In summary, the available evidence is currently insufficient to determine the role of this variant in disease. Therefore, it has been classified as a Variant of Uncertain Significance.

NM_018191.4(RCBTB1):c.1438G>A (p.Val480Ile)

Gene: RCBTB1 (RCC1 and BTB domain containing protein 1; minus strand). Cytogenetic location: 13q14.2.
Variant type: single nucleotide variant.
Coding change: c.1438G>A on transcript NM_018191.4 (MANE Select); coding-DNA position 1438, G replaced by A.
Protein change: p.Val480Ile; replaces valine 480 with isoleucine.
Molecular consequence: missense variant. On other transcripts: non-coding transcript variant (2).
Genome position (GRCh38, 1-based): chr13:49,540,893, C>T on the plus strand (G>A on the coding strand, the complement: RCBTB1 is on the minus strand). VCF-style: chr13-49540893-C-T. GRCh37 (hg19) VCF-style: chr13-50115029-C-T.
Other names: c.1438G>A, p.Val480Ile (NM_001352500.2, NM_001352501.2, NM_001352502.2 and 2 more transcripts); c.859G>A, p.Val287Ile (NM_001352506.2); short protein forms V287I, V480I.
Identifiers: ClinVar variation 2916719 (VCV002916719.3), dbSNP rs778646507, ClinGen allele CA6982579.